The following is an entry in ClinVar:

ClinVar aggregate classification (germline): Uncertain significance (1 of 4 stars; one submission).

Conditions:
Retinoblastoma (RB1). Also called: RETINOBLASTOMA, SOMATIC. Identifiers: Orphanet 790, MedGen C0035335, MeSH D012175, MONDO:0008380, OMIM 180200, HP:0009919. Disease mechanism: loss of function. Inheritance: Both sporadic and heritable forms are tested..

Submission:

St. Jude Molecular Pathology, St. Jude Children's Research Hospital
Classification: Uncertain significance for Retinoblastoma. Last evaluated: 2022-01-14. Review status: criteria provided, single submitter. Criteria: St. Jude Assertion Criteria 2020. Collection method: clinical testing. Allele origin: germline.
Comment: The RB1 c.1332+4A>G intronic change results in a A to G substitution at the +4 position of intron 13 of RB1 gene. This variant is absent in gnomAD v2.1.1 (PM2_supporting). Algorithms that predict the impact of sequence changes on splicing indicate that this change may abolish the native splice donor site and likely result in an absent or disrupted protein product (PP3), but these predictions have not been confirmed by functional studies. In summary, this variant meets criteria to be classified as of uncertain significance based on the ACMG/AMP criteria: PS4_supporting, PM6, PM2_supporting, PP3.

NM_000321.3(RB1):c.1332+4A>G

Gene: RB1 (RB transcriptional corepressor 1; plus strand). Cytogenetic location: 13q14.2.
Variant type: single nucleotide variant.
Coding change: c.1332+4A>G on transcript NM_000321.3 (MANE Select); 4 bases into the intron after coding-DNA position 1332, A replaced by G.
Molecular consequence: intron variant.
Genome position (GRCh38, 1-based): chr13:48,377,038, A>G. VCF-style: chr13-48377038-A-G. GRCh37 (hg19) VCF-style: chr13-48951174-A-G.
Identifiers: ClinVar variation 1691519 (VCV001691519.4), dbSNP rs2138136847, ClinGen allele CA2573149601.